The following is an entry in ClinVar:

NM_000222.3(KIT):c.2717G>C (p.Cys906Ser)

Gene: KIT (KIT proto-oncogene, receptor tyrosine kinase; plus strand). Cytogenetic location: 4q12.
Variant type: single nucleotide variant.
Coding change: c.2717G>C on transcript NM_000222.3 (MANE Select); coding-DNA position 2717, G replaced by C.
Protein change: p.Cys906Ser; replaces cysteine 906 with serine.
Molecular consequence: missense variant.
Genome position (GRCh38, 1-based): chr4:54,737,195, G>C. VCF-style: chr4-54737195-G-C. GRCh37 (hg19) VCF-style: chr4-55603361-G-C.
Other names: c.2705G>C, p.Cys902Ser (NM_001093772.2, NM_001385292.1); c.2720G>C, p.Cys907Ser (NM_001385284.1); c.2714G>C, p.Cys905Ser (NM_001385285.1); c.2702G>C, p.Cys901Ser (NM_001385286.1); c.2708G>C, p.Cys903Ser (NM_001385288.1); c.2717G>C, p.Cys906Ser (NM_001385290.1); short protein forms C901S, C902S, C903S, C905S, C906S, C907S.
Identifiers: ClinVar variation 1026863 (VCV001026863.10), dbSNP rs1429130851, ClinGen allele CA356914262.

ClinVar aggregate classification (germline): Uncertain significance. Review status: criteria provided, multiple submitters, no conflicts (2 of 4 stars). 3 submissions from 3 submitters: Uncertain significance (3). Last evaluated 2025-01-07.

Conditions:
Hereditary cancer-predisposing syndrome. Also called: Tumor predisposition; Neoplastic Syndromes, Hereditary; Hereditary neoplastic syndrome; Hereditary Cancer Syndrome. Identifiers: Orphanet 140162, MedGen C0027672, MeSH D009386, MONDO:0015356.
Gastrointestinal stromal tumor. Also called: Gastrointestinal stromal tumor, somatic; Gastrointestinal stroma tumor. Identifiers: Orphanet 44890, MedGen C0238198, MeSH D046152, MONDO:0011719, OMIM 606764, HP:0100723.

Allele frequency attached by ClinVar (database versions not stated): gnomAD exomes 0.00001.
gnomAD v4.1: 3 of 1,613,178 alleles (0.00019%); highest among the groups gnomAD compares: Admixed American, 0.005%; no homozygotes.

Submissions (3):

Labcorp Genetics (formerly Invitae), Labcorp
Classification: Uncertain significance for Gastrointestinal stromal tumor. Last evaluated: 2025-01-07. Review status: criteria provided, single submitter. Criteria: Invitae Variant Classification Sherloc (09022015). Collection method: clinical testing. Allele origin: germline.
Comment: This sequence change replaces cysteine, which is neutral and slightly polar, with serine, which is neutral and polar, at codon 906 of the KIT protein (p.Cys906Ser). This variant is present in population databases (no rsID available, gnomAD 0.009%). This variant has not been reported in the literature in individuals affected with KIT-related conditions. ClinVar contains an entry for this variant (Variation ID: 1026863). An algorithm developed to predict the effect of missense changes on protein structure and function (PolyPhen-2) suggests that this variant is likely to be disruptive. In summary, the available evidence is currently insufficient to determine the role of this variant in disease. Therefore, it has been classified as a Variant of Uncertain Significance.

Baylor Genetics
Classification: Uncertain significance for Gastrointestinal stromal tumor. Last evaluated: 2024-01-24. Review status: criteria provided, single submitter. Criteria: ACMG Guidelines, 2015. Collection method: clinical testing. Allele origin: unknown.

Ambry Genetics
Classification: Uncertain significance for Hereditary cancer-predisposing syndrome. Last evaluated: 2022-03-30. Review status: criteria provided, single submitter. Criteria: Ambry Variant Classification Scheme 2023. Collection method: clinical testing. Allele origin: germline.
Comment: The p.C906S variant (also known as c.2717G>C), located in coding exon 20 of the KIT gene, results from a G to C substitution at nucleotide position 2717. The cysteine at codon 906 is replaced by serine, an amino acid with dissimilar properties. This amino acid position is conserved. In addition, this alteration is predicted to be deleterious by in silico analysis. Since supporting evidence is limited at this time, the clinical significance of this alteration remains unclear.